The following is an entry in ClinVar:

NM_178554.6(KY):c.560G>A (p.Arg187His)

Genes: CEP63 (centrosomal protein 63; plus strand), KY (kyphoscoliosis peptidase; minus strand). Cytogenetic location: 3q22.2.
Variant type: single nucleotide variant.
Coding change: c.560G>A on transcript NM_178554.6 (MANE Select); coding-DNA position 560, G replaced by A.
Protein change: p.Arg187His; replaces arginine 187 with histidine.
Molecular consequence: missense variant.
Genome position (GRCh38, 1-based): chr3:134,620,781, C>T on the plus strand (G>A on the coding strand, the complement: KY is on the minus strand). VCF-style: chr3-134620781-C-T. GRCh37 (hg19) VCF-style: chr3-134339623-C-T.
Other names: c.512G>A, p.Arg171His (NM_001350859.2); c.434G>A, p.Arg145His (NM_001350860.2); c.497G>A, p.Arg166His (NM_001366276.1); c.560G>A, p.Arg187His (NM_001366277.2); short protein forms R145H, R166H, R171H, R187H.
Identifiers: ClinVar variation 2574870 (VCV002574870.2), dbSNP rs1348418896, ClinGen allele CA354636035.

ClinVar aggregate classification (germline): Uncertain significance. Review status: criteria provided, multiple submitters, no conflicts (2 of 4 stars). 2 submissions from 2 submitters: Uncertain significance (2). Last evaluated 2023-02-03.

Conditions:
Myofibrillar myopathy 7. Identifiers: MedGen C4310711, MONDO:0014922, OMIM 617114.

Allele frequency attached by ClinVar (database versions not stated): gnomAD 0.00001; gnomAD exomes 0.00001; TOPMed 0.00002.
gnomAD v4.1: 14 of 1,613,592 alleles (0.00087%); highest among the groups gnomAD compares: Admixed American, 0.0033%; no homozygotes.

Submissions (2):

GeneDx
Classification: Uncertain significance. Last evaluated: 2023-02-03. Review status: criteria provided, single submitter. Criteria: GeneDx Variant Classification Process June 2021. Collection method: clinical testing. Allele origin: germline. Affected: yes.
Comment: Not observed at significant frequency in large population cohorts (gnomAD); In silico analysis supports that this missense variant has a deleterious effect on protein structure/function; Has not been previously published as pathogenic or benign to our knowledge

Kariminejad - Najmabadi Pathology & Genetics Center
Classification: Uncertain significance for Myofibrillar myopathy 7. Last evaluated: 2022-04-24. Review status: criteria provided, single submitter. Criteria: ACMG Guidelines, 2015. Collection method: clinical testing. Allele origin: germline. Inheritance: Autosomal recessive inheritance. Affected: yes.
Comment: PM2,PP3